The following is an entry in ClinVar:

ClinVar aggregate classification (germline): Conflicting classifications of pathogenicity. Review status: criteria provided, conflicting classifications (1 of 4 stars). 4 submissions from 4 submitters: Uncertain significance (1); Likely benign (3). Last evaluated 2025-03-31.

Conditions:
Walker-Warburg congenital muscular dystrophy. Also called: Muscular dystrophy-dystroglycanopathy, type A; Walker-Warburg syndrome. Identifiers: Orphanet 899, MedGen C0265221, MONDO:0000171.
Cardiovascular phenotype. Identifiers: MedGen CN230736.

Allele frequency attached by ClinVar (database versions not stated): ExAC 0.00001; gnomAD exomes 0.00001 and 0.00002; TOPMed 0.00001; gnomAD 0.00003.
gnomAD v4.1: 30 of 1,612,600 alleles (0.0019%); highest among the groups gnomAD compares: Non-Finnish European, 0.0025%; no homozygotes.

Submissions (4):

Labcorp Genetics (formerly Invitae), Labcorp
Classification: Likely benign for Walker-Warburg congenital muscular dystrophy. Last evaluated: 2025-03-31. Review status: criteria provided, single submitter. Criteria: Invitae Variant Classification Sherloc (09022015). Collection method: clinical testing. Allele origin: germline.

CeGaT Center for Human Genetics Tuebingen
Classification: Likely benign. Last evaluated: 2024-05-01. Review status: criteria provided, single submitter. Criteria: CeGaT Center For Human Genetics Tuebingen Variant Classification Criteria Version 2. Collection method: clinical testing. Allele origin: germline. Affected: yes. Observed: 1 variant allele.
Comment: FKTN: BP4, BP7

Ambry Genetics
Classification: Likely benign for Cardiovascular phenotype. Last evaluated: 2018-11-07. Review status: criteria provided, single submitter. Criteria: Ambry Variant Classification Scheme 2023. Collection method: clinical testing. Allele origin: germline.

Eurofins Ntd Llc (ga)
Classification: Uncertain significance. Last evaluated: 2015-10-29. Review status: criteria provided, single submitter. Criteria: EGL Classification Definitions 2015. Collection method: clinical testing. Allele origin: germline. Observed: 1 variant allele, 1 heterozygote.

NM_001079802.2(FKTN):c.402A>T (p.Gly134=)

Gene: FKTN (fukutin; plus strand). Cytogenetic location: 9q31.2.
Variant type: single nucleotide variant.
Coding change: c.402A>T on transcript NM_001079802.2 (MANE Select); coding-DNA position 402, A replaced by T.
Protein change: p.Gly134=; no amino-acid change (glycine 134 retained).
Molecular consequence: synonymous variant. On other transcripts: non-coding transcript variant (2).
Genome position (GRCh38, 1-based): chr9:105,604,247, A>T. VCF-style: chr9-105604247-A-T. GRCh37 (hg19) VCF-style: chr9-108366528-A-T.
Other names: c.402A>T, p.Gly134= (NM_001198963.2, NM_001351496.2, NM_001351498.2 and 1 more transcripts); c.333A>T, p.Gly111= (NM_001351497.2); c.6A>T, p.Gly2= (NM_001351499.2, NM_001351500.2, NM_001351501.2 and 1 more transcripts).
Identifiers: ClinVar variation 283752 (VCV000283752.36), dbSNP rs780921233, ClinGen allele CA5170402.